The following is an entry in ClinVar:

NM_001854.4(COL11A1):c.5372A>G (p.Gln1791Arg)

Gene: COL11A1 (collagen type XI alpha 1 chain; minus strand). Cytogenetic location: 1p21.1.
Variant type: single nucleotide variant.
Coding change: c.5372A>G on transcript NM_001854.4 (MANE Select); coding-DNA position 5372, A replaced by G.
Protein change: p.Gln1791Arg; replaces glutamine 1791 with arginine.
Molecular consequence: missense variant. On other transcripts: non-coding transcript variant (1).
Genome position (GRCh38, 1-based): chr1:102,878,068, T>C on the plus strand (A>G on the coding strand, the complement: COL11A1 is on the minus strand). VCF-style: chr1-102878068-T-C. GRCh37 (hg19) VCF-style: chr1-103343624-T-C.
Other names: c.5372A>G (NM_001854.3); c.5255A>G, p.Gln1752Arg (NM_001190709.2); c.5408A>G, p.Gln1803Arg (NM_080629.3); c.5024A>G, p.Gln1675Arg (NM_080630.4); short protein forms Q1752R, Q1803R, Q1791R, Q1675R.
Identifiers: ClinVar variation 1515896 (VCV001515896.7), dbSNP rs1351190778, ClinGen allele CA341210488.
Genomic context (GRCh38, chr1:102,878,068, plus strand): 5'-TTGTCTTAATCTTAGCCAAGAAAACAAACAGGACCAACTTCAAATCCGAACTTCTGATTC[T>C]GATCACCAAAGTCATTGATCATGACATCAACAATAGGTACTTGATCAATTTTTGGTGTAT-3'
Protein context (NP_001845.3, residues 1781-1801): VDVMINDFGD[Gln1791Arg]NQKFGFEVGP

ClinVar aggregate classification (germline): Conflicting classifications of pathogenicity. Review status: criteria provided, conflicting classifications (1 of 4 stars). 3 submissions from 3 submitters: Uncertain significance (2); Likely benign (1). Last evaluated 2026-04-08.

Conditions:
COL11A1-related disorder. Also called: COL11A1-related disorders; COL11A1-related condition.
Inborn genetic diseases. Identifiers: MedGen C0950123, MeSH D030342.

Allele frequency attached by ClinVar (database versions not stated): TOPMed below 0.00001; gnomAD exomes 0.00001.
gnomAD v4.1: 18 of 1,613,744 alleles (0.0011%); highest among the groups gnomAD compares: Non-Finnish European, 0.0014%; no homozygotes.

Submissions (3):

Ambry Genetics
Classification: Uncertain significance for Inborn genetic diseases. Last evaluated: 2026-04-08. Review status: criteria provided, single submitter. Criteria: Ambry Variant Classification Scheme 2023. Collection method: clinical testing. Allele origin: germline.
Comment: The c.5372A>G (p.Q1791R) alteration is located in exon 67 (coding exon 67) of the COL11A1 gene. This alteration results from a A to G substitution at nucleotide position 5372, causing the glutamine (Q) at amino acid position 1791 to be replaced by an arginine (R). Based on data from gnomAD, the G allele has an overall frequency of 0.001% (2/250958) total alleles studied. The highest observed frequency was 0.016% (1/6118) of Other alleles. Based on insufficient or conflicting evidence, the clinical significance of this alteration remains unclear.

Labcorp Genetics (formerly Invitae), Labcorp
Classification: Likely benign. Last evaluated: 2026-01-05. Review status: criteria provided, single submitter. Criteria: Invitae Variant Classification Sherloc (09022015). Collection method: clinical testing. Allele origin: germline.

PreventionGenetics, part of Exact Sciences
Classification: Uncertain significance for COL11A1-related condition. Last evaluated: 2023-09-20. Review status: criteria provided, single submitter. Criteria: ACMG Guidelines, 2015. Collection method: clinical testing. Allele origin: germline.
Comment: The COL11A1 c.5372A>G variant is predicted to result in the amino acid substitution p.Gln1791Arg. To our knowledge, this variant has not been reported in the literature. This variant is reported in 0.00088% of alleles in individuals of European (Non-Finnish) descent in gnomAD. At this time, the clinical significance of this variant is uncertain due to the absence of conclusive functional and genetic evidence.